The following is an entry in ClinVar:

NM_001286581.2(PHRF1):c.4369A>G (p.Ser1457Gly)

Gene: PHRF1 (PHD and ring finger domains 1; plus strand). Cytogenetic location: 11p15.5.
Variant type: single nucleotide variant.
Coding change: c.4369A>G on transcript NM_001286581.2 (MANE Select); coding-DNA position 4369, A replaced by G.
Protein change: p.Ser1457Gly; replaces serine 1457 with glycine.
Molecular consequence: missense variant.
Genome position (GRCh38, 1-based): chr11:610,300, A>G. VCF-style: chr11-610300-A-G. GRCh37 (hg19) VCF-style: chr11-610300-A-G.
Other names: c.4363A>G, p.Ser1455Gly (NM_001286582.2); c.4357A>G, p.Ser1453Gly (NM_001286583.2); c.4366A>G, p.Ser1456Gly (NM_020901.4); short protein forms S1453G, S1456G, S1455G, S1457G.
Identifiers: ClinVar variation 719473 (VCV000719473.7), dbSNP rs201244128, ClinGen allele CA5783147.

ClinVar aggregate classification (germline): Likely benign. Review status: criteria provided, multiple submitters, no conflicts (2 of 4 stars). 3 submissions from 3 submitters: Likely benign (2). 1 of the submissions does not count toward it. Last evaluated 2019-12-31.

Conditions:
PHRF1-related disorder. Also called: PHRF1-related condition.

Allele frequency attached by ClinVar (database versions not stated): ESP Exome Variant Server 0.00175; 1000 Genomes Project 30x 0.00187; 1000 Genomes Project 0.00200; gnomAD exomes 0.00207 and 0.00397; TOPMed 0.00230; gnomAD 0.00259 and 0.00265; ExAC 0.00286.
gnomAD v4.1: 5,938 of 1,564,686 alleles (0.38%); highest among the groups gnomAD compares: Non-Finnish European, 0.47%; 21 homozygotes.

Submissions (3):

Labcorp Genetics (formerly Invitae), Labcorp
Classification: Likely benign. Last evaluated: 2019-12-31. Review status: criteria provided, single submitter. Criteria: Invitae Variant Classification Sherloc (09022015). Collection method: clinical testing. Allele origin: germline.

Breakthrough Genomics
Classification: Likely benign. Review status: criteria provided, single submitter. Criteria: ACMG Guidelines, 2015. Collection method: not provided. Allele origin: germline. Inheritance: Unknown mechanism. Affected: yes.

PreventionGenetics, part of Exact Sciences
Classification: Likely benign for PHRF1-related condition. Last evaluated: 2022-07-12. Review status: no assertion criteria provided. Collection method: clinical testing. Allele origin: germline. Not counted in ClinVar's aggregate classification.
Comment: This variant is classified as likely benign based on ACMG/AMP sequence variant interpretation guidelines (Richards et al. 2015 PMID: 25741868, with internal and published modifications).